The following is an entry in ClinVar:

ClinVar aggregate classification (germline): Uncertain significance. Review status: criteria provided, multiple submitters, no conflicts (2 of 4 stars). 3 submissions from 3 submitters: Uncertain significance (3). Last evaluated 2025-02-26.

Submissions (3):

GeneDx
Classification: Uncertain significance. Last evaluated: 2025-02-26. Review status: criteria provided, single submitter. Criteria: GeneDx Variant Classification Process June 2021. Collection method: clinical testing. Allele origin: germline. Affected: yes.
Comment: In-frame duplication of 8 amino acid(s) in a non-repeat region; Not observed at significant frequency in large population cohorts (gnomAD); Has not been previously published as pathogenic or benign to our knowledge

Ambry Genetics
Classification: Uncertain significance. Last evaluated: 2025-02-21. Review status: criteria provided, single submitter. Criteria: Ambry Variant Classification Scheme 2023. Collection method: clinical testing. Allele origin: germline.
Comment: The c.2211_2234dup24 variant (also known as p.H738_S745dup), located in coding exon 8 of the RNF43 gene, results from an in-frame duplication of 24 nucleotides at nucleotide positions 2211 to 2234. This results in the duplication of 8 extra residues (HPPGEGPS) between codons 738 and 745. This amino acid region is not well conserved. In addition, the in silico prediction for this alteration is inconclusive (Choi Y et al. PLoS ONE. 2012; 7(10):e46688). The evidence for this gene-disease relationship is limited; therefore, the clinical significance of this alteration is unclear.

Labcorp Genetics (formerly Invitae), Labcorp
Classification: Uncertain significance. Last evaluated: 2021-12-25. Review status: criteria provided, single submitter. Criteria: Invitae Variant Classification Sherloc (09022015). Collection method: clinical testing. Allele origin: germline.
Comment: Experimental studies and prediction algorithms are not available or were not evaluated, and the functional significance of this variant is currently unknown. This variant, c.2211_2234dup, results in the insertion of 8 amino acid(s) of the RNF43 protein (p.His738_Ser745dup), but otherwise preserves the integrity of the reading frame. This variant is present in population databases (no rsID available, gnomAD 0.02%). This variant has not been reported in the literature in individuals affected with RNF43-related conditions. In summary, the available evidence is currently insufficient to determine the role of this variant in disease. Therefore, it has been classified as a Variant of Uncertain Significance.

NM_017763.6(RNF43):c.2211_2234dup (p.Ser745_Glu746insHisProProGlyGluGlyProSer)

Gene: RNF43 (ring finger protein 43; minus strand). Cytogenetic location: 17q22.
Variant type: Duplication.
Coding change: c.2211_2234dup on transcript NM_017763.6 (MANE Select); coding-DNA positions 2211 to 2234, 24 bases duplicated (ACATCCACCTGGGGAGGGGCCTTC).
Protein change: p.Ser745_Glu746insHisProProGlyGluGlyProSer.
Molecular consequence: inframe insertion. On other transcripts: inframe indel (2).
Genome position (GRCh38, 1-based): chr17:58,357,542-58,357,565, GAAGGCCCCTCCCCAGGTGGATGT duplicated on the plus strand (ACATCCACCTGGGGAGGGGCCTTC on the coding strand, the reverse complement: RNF43 is on the minus strand); duplicating any 24 consecutive bases within chr17:58,357,542-58,357,566 gives the same sequence; the c. name uses the placement nearest the transcript's 3' end. VCF-style (leftmost placement, unchanged base first): chr17-58357541-A-AGAAGGCCCCTCCCCAGGTGGATGT. GRCh37 (hg19) VCF-style: chr17-56434902-A-AGAAGGCCCCTCCCCAGGTGGATGT.
Other names: c.2211_2234dup (NM_017763.4); c.2211_2234dupACATCCACCTGGGGAGGGGCCTTC (NM_017763.4); c.2210_2233dup, p.Ser745_Glu746insHisProProGlyGluGlyProSer (NM_001305544.3); c.1829_1852dup, p.Ser618_Glu619insHisProProGlyGluGlyProSer (NM_001305545.2).
Identifiers: ClinVar variation 2176808 (VCV002176808.6), dbSNP rs1247995300, ClinGen allele CA627143687.
Genomic context (GRCh38, chr17:58,357,541, plus strand): 5'-CAGCACCTGGCAGTGCGGATAAGGGCATGGCCTGCCCTCTGCGGTGTCAGAACTCCATTC[A>AGAAGGCCCCTCCCCAGGTGGATGT]GAAGGCCCCTCCCCAGGTGGATGTGGTTCCAGGGGCTGGCGAGGAGTCAGGCACAACCAC-3'